The following is an entry in ClinVar:

ClinVar aggregate classification (germline): Uncertain significance (1 of 4 stars; one submission).

gnomAD v4.1: 3 of 1,208,168 alleles (0.00025%); highest among the groups gnomAD compares: Non-Finnish European, 0.00034%; no homozygotes.

Submission:

GeneDx
Classification: Uncertain significance. Last evaluated: 2024-01-12. Review status: criteria provided, single submitter. Criteria: GeneDx Variant Classification Process June 2021. Collection method: clinical testing. Allele origin: germline. Affected: yes.
Comment: Not observed at significant frequency in large population cohorts (gnomAD); In silico analysis supports that this missense variant has a deleterious effect on protein structure/function; Has not been previously published as pathogenic or benign to our knowledge

NM_000240.4(MAOA):c.685C>T (p.Arg229Trp)

Gene: MAOA (monoamine oxidase A; plus strand). Cytogenetic location: Xp11.3.
Variant type: single nucleotide variant.
Coding change: c.685C>T on transcript NM_000240.4 (MANE Select); coding-DNA position 685, C replaced by T.
Protein change: p.Arg229Trp; replaces arginine 229 with tryptophan.
Molecular consequence: missense variant.
Genome position (GRCh38, 1-based): chrX:43,731,280, C>T. VCF-style: chrX-43731280-C-T. GRCh37 (hg19) VCF-style: chrX-43590527-C-T.
Other names: c.286C>T, p.Arg96Trp (NM_001270458.2); short protein forms R229W, R96W.
Identifiers: ClinVar variation 3367391 (VCV003367391.1).